The following is an entry in ClinVar:

NM_001792.5(CDH2):c.796G>C (p.Glu266Gln)

Gene: CDH2 (cadherin 2; minus strand). Cytogenetic location: 18q12.1.
Variant type: single nucleotide variant.
Coding change: c.796G>C on transcript NM_001792.5 (MANE Select); coding-DNA position 796, G replaced by C.
Protein change: p.Glu266Gln; replaces glutamic acid 266 with glutamine.
Molecular consequence: missense variant.
Genome position (GRCh38, 1-based): chr18:28,005,900, C>G on the plus strand (G>C on the coding strand, the complement: CDH2 is on the minus strand). VCF-style: chr18-28005900-C-G. GRCh37 (hg19) VCF-style: chr18-25585864-C-G.
Other names: c.703G>C, p.Glu235Gln (NM_001308176.2); short protein forms E235Q, E266Q.
Identifiers: ClinVar variation 3637382 (VCV003637382.2).

ClinVar aggregate classification (germline): Uncertain significance (1 of 4 stars; one submission).

Submission:

Labcorp Genetics (formerly Invitae), Labcorp
Classification: Uncertain significance. Last evaluated: 2024-02-05. Review status: criteria provided, single submitter. Criteria: Invitae Variant Classification Sherloc (09022015). Collection method: clinical testing. Allele origin: germline.
Comment: This sequence change replaces glutamic acid, which is acidic and polar, with glutamine, which is neutral and polar, at codon 266 of the CDH2 protein (p.Glu266Gln). This variant is not present in population databases (gnomAD no frequency). This variant has not been reported in the literature in individuals affected with CDH2-related conditions. An algorithm developed to predict the effect of missense changes on protein structure and function (PolyPhen-2) suggests that this variant is likely to be disruptive. In summary, the available evidence is currently insufficient to determine the role of this variant in disease. Therefore, it has been classified as a Variant of Uncertain Significance.